The following is an entry in ClinVar:

NM_017950.4(CCDC40):c.344C>T (p.Pro115Leu)

Gene: CCDC40 (coiled-coil domain 40 molecular ruler complex subunit; plus strand). Cytogenetic location: 17q25.3.
Variant type: single nucleotide variant.
Coding change: c.344C>T on transcript NM_017950.4 (MANE Select); coding-DNA position 344, C replaced by T.
Protein change: p.Pro115Leu; replaces proline 115 with leucine.
Molecular consequence: missense variant.
Genome position (GRCh38, 1-based): chr17:80,040,062, C>T. VCF-style: chr17-80040062-C-T. GRCh37 (hg19) VCF-style: chr17-78013861-C-T.
Other names: c.344C>T, p.Pro115Leu (NM_001243342.2, NM_001330508.2); short protein forms P115L.
Identifiers: ClinVar variation 1439497 (VCV001439497.5), dbSNP rs754194373, ClinGen allele CA8813420.

ClinVar aggregate classification (germline): Uncertain significance (1 of 4 stars; one submission).

Conditions:
Primary ciliary dyskinesia. Also called: Ciliary dyskinesia. Identifiers: Orphanet 244, MedGen C0008780, MONDO:0016575, HP:0012265.

gnomAD v4.1: 42 of 1,613,926 alleles (0.0026%); highest among the groups gnomAD compares: Middle Eastern, 0.016%; no homozygotes.

Submission:

Labcorp Genetics (formerly Invitae), Labcorp
Classification: Uncertain significance for Primary ciliary dyskinesia. Last evaluated: 2025-09-07. Review status: criteria provided, single submitter. Criteria: Invitae Variant Classification Sherloc (09022015). Collection method: clinical testing. Allele origin: germline.
Comment: This sequence change replaces proline, which is neutral and non-polar, with leucine, which is neutral and non-polar, at codon 115 of the CCDC40 protein (p.Pro115Leu). This variant is present in population databases (rs754194373, gnomAD 0.007%). This variant has not been reported in the literature in individuals affected with CCDC40-related conditions. ClinVar contains an entry for this variant (Variation ID: 1439497). An algorithm developed to predict the effect of missense changes on protein structure and function outputs the following: PolyPhen-2: "Benign". The leucine amino acid residue is found in multiple mammalian species, which suggests that this missense change does not adversely affect protein function. In summary, the available evidence is currently insufficient to determine the role of this variant in disease. Therefore, it has been classified as a Variant of Uncertain Significance.